The following is an entry in ClinVar:

ClinVar aggregate classification (germline): Uncertain significance. Review status: criteria provided, multiple submitters, no conflicts (2 of 4 stars). 3 submissions from 3 submitters: Uncertain significance (3). Last evaluated 2024-05-28.

Conditions:
Inborn genetic diseases. Identifiers: MedGen C0950123, MeSH D030342.
Hydrolethalus syndrome 2 (HLS2). Identifiers: Orphanet 2189, MedGen C3279899, MONDO:0013585, OMIM 614120.
Multiple epiphyseal dysplasia, Al-Gazali type. Also called: Macrocephaly with multiple epiphyseal dysplasia and distinctive facies. Identifiers: Orphanet 166024, MedGen C1846722, MONDO:0011778, OMIM 607131.
Acrocallosal syndrome (ACLS). Also called: Schinzel syndrome 1; Absence of corpus callosum with unusual facial appearance, mental deficiency, duplication of the halluces and polydactyly; HALLUX DUPLICATION, POSTAXIAL POLYDACTYLY, AND ABSENCE OF CORPUS CALLOSUM. Identifiers: Orphanet 36, MedGen C0796147, MONDO:0008708, OMIM 200990.

Allele frequency attached by ClinVar (database versions not stated): gnomAD exomes below 0.00001; gnomAD 0.00001; TOPMed 0.00002.
gnomAD v4.1: 6 of 1,547,684 alleles (0.00039%); highest among the groups gnomAD compares: African/African-American, 0.0041%; no homozygotes.

Submissions (3):

Fulgent Genetics
Classification: Uncertain significance for Acrocallosal syndrome; Multiple epiphyseal dysplasia, Al-Gazali type; Hydrolethalus syndrome 2. Last evaluated: 2024-05-28. Review status: criteria provided, single submitter. Criteria: ACMG Guidelines, 2015. Collection method: clinical testing. Allele origin: germline.

Ambry Genetics
Classification: Uncertain significance for Inborn genetic diseases. Last evaluated: 2022-07-22. Review status: criteria provided, single submitter. Criteria: Ambry Variant Classification Scheme 2023. Collection method: clinical testing. Allele origin: germline.

GeneDx
Classification: Uncertain significance. Last evaluated: 2016-11-16. Review status: criteria provided, single submitter. Criteria: GeneDx Variant Classification (06012015). Collection method: clinical testing. Allele origin: germline. Affected: yes.
Comment: A variant of uncertain significance has been identified in the KIF7 gene. The T262M variant has not been published as a pathogenic variant, nor has it been reported as a benign variant to our knowledge. It was not observed in approximately 2,300 individuals of European and African American ancestry in the NHLBI Exome Sequencing Project, indicating it is not a common benign variant in these populations. The T262M variant is a non-conservative amino acid substitution, which is likely to impact secondary protein structure as these residues differ in polarity, charge, size and/or other properties. This substitution occurs at a position that is conserved across species. In silico analysis predicts this variant is probably damaging to the protein structure/function. However, missense variants in nearby residues have not been reported in the Human Gene Mutation Database in association with KIF7-related disorders (Stenson et al., 2014). Therefore, based on the currently available information, it is unclear whether this variant is a pathogenic variant or a rare benign variant.

NM_198525.3(KIF7):c.785C>T (p.Thr262Met)

Gene: KIF7 (kinesin family member 7; minus strand). Cytogenetic location: 15q26.1.
Variant type: single nucleotide variant.
Coding change: c.785C>T on transcript NM_198525.3 (MANE Select); coding-DNA position 785, C replaced by T.
Protein change: p.Thr262Met; replaces threonine 262 with methionine.
Molecular consequence: missense variant.
Genome position (GRCh38, 1-based): chr15:89,649,112, G>A on the plus strand (C>T on the coding strand, the complement: KIF7 is on the minus strand). VCF-style: chr15-89649112-G-A. GRCh37 (hg19) VCF-style: chr15-90192343-G-A.
Other names: short protein forms T262M.
Identifiers: ClinVar variation 373180 (VCV000373180.4), dbSNP rs1057518271, ClinGen allele CA16042913.